The following is an entry in ClinVar:

NM_000258.3(MYL3):c.232G>T (p.Asp78Tyr)

Gene: MYL3 (myosin light chain 3; minus strand). Cytogenetic location: 3p21.31.
Variant type: single nucleotide variant.
Coding change: c.232G>T on transcript NM_000258.3 (MANE Select); coding-DNA position 232, G replaced by T.
Protein change: p.Asp78Tyr; replaces aspartic acid 78 with tyrosine.
Molecular consequence: missense variant.
Genome position (GRCh38, 1-based): chr3:46,860,751, C>A on the plus strand (G>T on the coding strand, the complement: MYL3 is on the minus strand). VCF-style: chr3-46860751-C-A. GRCh37 (hg19) VCF-style: chr3-46902241-C-A.
Other names: c.232G>T, p.Asp78Tyr (NM_001406937.1, NM_001406938.1, NM_001406939.1); c.58G>T, p.Asp20Tyr (NM_001406940.1, NM_001406941.1); short protein forms D20Y, D78Y.
Identifiers: ClinVar variation 3075510 (VCV003075510.1), dbSNP rs1204495577, ClinGen allele CA352498244.

ClinVar aggregate classification (germline): Uncertain significance (1 of 4 stars; one submission).

Conditions:
Hypertrophic cardiomyopathy. Also called: HYPERTROPHIC MYOCARDIOPATHY. Identifiers: Orphanet 217569, MedGen C0007194, MeSH D002312, MONDO:0005045, HP:0001639.

gnomAD v4.1: 2 of 1,614,144 alleles (0.00012%); highest among the groups gnomAD compares: Non-Finnish European, 0.00017%; no homozygotes.

Submission:

All of Us Research Program, National Institutes of Health
Classification: Uncertain significance for Hypertrophic cardiomyopathy. Last evaluated: 2023-05-08. Review status: criteria provided, single submitter. Criteria: ACMG Guidelines, 2015. Collection method: clinical testing. Allele origin: germline. Inheritance: Autosomal dominant inheritance. Observed: 1 variant allele, 1 heterozygote.
Comment: This study involves interpretation of variants in research participants for the purpose of population health screening. Participant phenotype was not available at the time of variant classification. Additional details can be found in publication PMID: 35346344, PMCID: PMC8962531